The following is an entry in ClinVar:

ClinVar aggregate classification (germline): Benign/Likely benign. Review status: criteria provided, multiple submitters, no conflicts (2 of 4 stars). 20 submissions from 19 submitters: Benign (14); Likely benign (4). 2 of the submissions do not count toward it. Last evaluated 2026-08-01.

Conditions:
Cardiovascular phenotype. Identifiers: MedGen CN230736.
Left ventricular noncompaction 10 (LVNC10). Identifiers: Orphanet 154, Orphanet 54260, MedGen C3715165, MONDO:0014163, OMIM 615396.
Hypertrophic cardiomyopathy 4. Also called: Familial hypertrophic cardiomyopathy 4. Identifiers: MedGen C1861862, MONDO:0007268, OMIM 115197.
Cardiomyopathy (CMYO). Also called: Cardiomyopathies. Identifiers: Orphanet 167848, MedGen C0878544, MONDO:0004994, HP:0001638. Inheritance: Various modes of inheritance.
Hypertrophic cardiomyopathy. Also called: HYPERTROPHIC MYOCARDIOPATHY. Identifiers: Orphanet 217569, MedGen C0007194, MeSH D002312, MONDO:0005045, HP:0001639.

Allele frequency attached by ClinVar (database versions not stated): ExAC 0.00222; 1000 Genomes Project 0.01018; gnomAD 0.00725 and 0.00756; TOPMed 0.00818; gnomAD exomes 0.00196; ESP Exome Variant Server 0.00770; 1000 Genomes Project 30x 0.01077.
gnomAD v4.1: 2,165 of 1,614,004 alleles (0.13%); highest among the groups gnomAD compares: African/African-American, 2.5%; 29 homozygotes.

Submissions (22):

CeGaT Center for Human Genetics Tuebingen
Classification: Benign. Last evaluated: 2026-08-01. Review status: criteria provided, single submitter. Criteria: CeGaT Center For Human Genetics Tuebingen Variant Classification Criteria Version 2. Collection method: clinical testing. Allele origin: germline. Affected: yes. Observed: 1 variant allele.
Comment: MYBPC3: BS1, BS2

Labcorp Genetics (formerly Invitae), Labcorp
Classification: Benign for Hypertrophic cardiomyopathy. Last evaluated: 2026-02-03. Review status: criteria provided, single submitter. Criteria: Invitae Variant Classification Sherloc (09022015). Collection method: clinical testing. Allele origin: germline.

ARUP Laboratories, Molecular Genetics and Genomics, ARUP Laboratories
Classification: Benign. Last evaluated: 2025-05-20. Review status: criteria provided, single submitter. Criteria: ARUP Molecular Germline Variant Investigation Process 2024. Collection method: clinical testing. Allele origin: germline.

Molecular Diagnostic Laboratory for Inherited Cardiovascular Disease, Montreal Heart Institute
Classification: Benign. Last evaluated: 2025-04-08. Review status: criteria provided, single submitter. Criteria: ACMG Guidelines, 2015. Collection method: clinical testing. Allele origin: germline. Affected: no.

Blueprint Genetics
Classification: Likely benign. Last evaluated: 2024-11-26. Review status: criteria provided, single submitter. Criteria: ACMG Guidelines, 2015. Collection method: clinical testing. Allele origin: germline.

All of Us Research Program, National Institutes of Health
Classification: Benign for Hypertrophic cardiomyopathy. Last evaluated: 2024-09-23. Review status: criteria provided, single submitter. Criteria: ACMG Guidelines, 2015. Collection method: clinical testing. Allele origin: germline. Inheritance: Autosomal dominant inheritance. Observed: 645 variant alleles, 640 heterozygotes, 5 homozygotes.
Comment: This study involves interpretation of variants in research participants for the purpose of population health screening. Participant phenotype was not available at the time of variant classification. Additional details can be found in publication PMID: 35346344, PMCID: PMC8962531

Fulgent Genetics
Classification: Benign for Hypertrophic cardiomyopathy 4; Left ventricular noncompaction 10. Last evaluated: 2022-05-11. Review status: criteria provided, single submitter. Criteria: ACMG Guidelines, 2015. Collection method: clinical testing. Allele origin: unknown.

Color Diagnostics, LLC DBA Color Health
Classification: Benign for Cardiomyopathy. Last evaluated: 2018-03-19. Review status: criteria provided, single submitter. Criteria: ACMG Guidelines, 2015. Collection method: clinical testing. Allele origin: germline.

Illumina Laboratory Services, Illumina
Classification: Likely benign for Hypertrophic cardiomyopathy 4. Last evaluated: 2017-04-27. Review status: criteria provided, single submitter. Criteria: ICSL Variant Classification Criteria 13 December 2019. Collection method: clinical testing. Allele origin: germline.
Comment: This variant was observed as part of a predisposition screen in an ostensibly healthy population. A literature search was performed for the gene, cDNA change, and amino acid change (where applicable). Publications were found based on this search. The evidence from the literature, in combination with allele frequency data from public databases where available, was sufficient to determine this variant is unlikely to cause disease. Therefore, this variant is classified as likely benign.

Illumina Laboratory Services, Illumina
Classification: Likely benign for Left ventricular noncompaction 10. Last evaluated: 2017-04-27. Review status: criteria provided, single submitter. Criteria: ICSL Variant Classification Criteria 13 December 2019. Collection method: clinical testing. Allele origin: germline.
Comment: This variant was observed as part of a predisposition screen in an ostensibly healthy population. A literature search was performed for the gene, cDNA change, and amino acid change (where applicable). No publications were found based on this search. Allele frequency data from public databases allowed determination this variant is unlikely to cause disease. Therefore, this variant is classified as likely benign.

Mayo Clinic Laboratories, Mayo Clinic
Classification: Benign. Last evaluated: 2015-09-02. Review status: criteria provided, single submitter. Criteria: ACMG Guidelines, 2015. Collection method: clinical testing. Allele origin: germline. Observed: 8 variant alleles.

Ambry Genetics
Classification: Benign for Cardiovascular phenotype. Last evaluated: 2015-07-27. Review status: criteria provided, single submitter. Criteria: Ambry Variant Classification Scheme 2023. Collection method: clinical testing. Allele origin: germline.

Eurofins Ntd Llc (ga)
Classification: Benign. Last evaluated: 2015-06-09. Review status: criteria provided, single submitter. Criteria: EGL Classification Definitions 2015. Collection method: clinical testing. Allele origin: germline.

GeneDx
Classification: Benign. Last evaluated: 2015-03-03. Review status: criteria provided, single submitter. Criteria: GeneDx Variant Classification Process June 2021. Collection method: clinical testing. Allele origin: germline. Affected: yes.
Comment: This variant is associated with the following publications: (PMID: 31006259, 24510615, 12974739, 21310275, 23299917, 22763267, 25342278, 12707239, 14563344)

Biesecker Lab/Clinical Genomics Section, National Institutes of Health
Classification: Benign for Cardiomyopathy, hypertrophic. Last evaluated: 2013-06-24. Review status: criteria provided, single submitter. Criteria: Ng et al. (Circ Cardiovasc Genet. 2013). Collection method: research. Allele origin: unknown. Observed: 3 variant alleles. Study: ClinSeq.
Comment: The study set was not selected for affection status in relation to any cancer. HGMD phenotype assertion is uncertain. Pathogenicity categories were based on literature curation. See Pubmed ID:23861362 for details.

Medical sequencing

Laboratory for Molecular Medicine, Mass General Brigham Personalized Medicine
Classification: Benign. Last evaluated: 2008-03-25. Review status: criteria provided, single submitter. Criteria: LMM Criteria. Collection method: clinical testing. Allele origin: germline. Observed: 31 variant alleles.

Breakthrough Genomics
Classification: Likely benign. Review status: criteria provided, single submitter. Criteria: ACMG Guidelines, 2015. Collection method: not provided. Allele origin: germline. Inheritance: Autosomal dominant inheritance. Affected: yes.

PreventionGenetics, part of Exact Sciences
Classification: Benign. Review status: criteria provided, single submitter. Criteria: ACMG Guidelines, 2015. Collection method: clinical testing. Allele origin: germline.

Cohesion Phenomics
Classification: Benign for Hypertrophic cardiomyopathy. Last evaluated: 2022-10-10. Review status: no assertion criteria provided. Criteria: ACMG Guidelines, 2015. Collection method: clinical testing. Allele origin: germline. Affected: yes. Not counted in ClinVar's aggregate classification.

Dr. Peter K. Rogan Lab, Western University
No classification provided (evidence only). Condition: Nonpapillary renal cell carcinoma. Review status: no classification provided. Collection method: in vitro. Allele origin: not applicable. Functional consequence: retained intron. Not counted in ClinVar's aggregate classification.

Dr. Peter K. Rogan Lab, Western University
No classification provided (evidence only). Condition: Uterine carcinosarcoma. Review status: no classification provided. Collection method: in vitro. Allele origin: not applicable. Functional consequence: retained intron. Not counted in ClinVar's aggregate classification.

Zaffran Lab, Genetics of Cardiac Diseases Laboratory, Marseille Medical Genetics
Classification: Benign for hypertrophic cardiomyopathy. Review status: no assertion criteria provided. Collection method: research. Allele origin: unknown. Affected: yes. Not counted in ClinVar's aggregate classification.

Literature cited by the submitters: PubMed 12707239 (cited by Illumina Laboratory Services, Illumina); PubMed 14563344 (cited by Laboratory for Molecular Medicine, Mass General Brigham Personalized Medicine).

NM_000256.3(MYBPC3):c.2498C>T (p.Ala833Val)

Gene: MYBPC3 (myosin binding protein C3; minus strand). Cytogenetic location: 11p11.2.
Variant type: single nucleotide variant.
Coding change: c.2498C>T on transcript NM_000256.3 (MANE Select); coding-DNA position 2498, C replaced by T.
Protein change: p.Ala833Val; replaces alanine 833 with valine.
Molecular consequence: missense variant.
Genome position (GRCh38, 1-based): chr11:47,337,495, G>A on the plus strand (C>T on the coding strand, the complement: MYBPC3 is on the minus strand). VCF-style: chr11-47337495-G-A. GRCh37 (hg19) VCF-style: chr11-47359046-G-A.
Other names: short protein forms A833V.
Identifiers: ClinVar variation 42627 (VCV000042627.53), dbSNP rs3729952, ClinGen allele CA012393.